The following is an entry in ClinVar:

ClinVar aggregate classification (germline): Uncertain significance (1 of 4 stars; one submission).

Conditions:
MAP1B-related disorder. Also called: MAP1B-related condition.

Submission:

PreventionGenetics, part of Exact Sciences
Classification: Uncertain significance for MAP1B-related condition. Last evaluated: 2026-03-03. Review status: criteria provided, single submitter. Criteria: ACMG Guidelines, 2015. Collection method: clinical testing. Allele origin: germline.
Comment: The MAP1B c.2296G>T variant is predicted to result in the amino acid substitution p.Val766Phe. To our knowledge, this variant has not been reported in the literature. This variant is reported in 0.0% of alleles in individuals of African descent in gnomAD. At this time, the clinical significance of this variant is uncertain due to the absence of conclusive functional and genetic evidence.

NM_005909.5(MAP1B):c.2296G>T (p.Val766Phe)

Gene: MAP1B (microtubule associated protein 1B; plus strand). Cytogenetic location: 5q13.2.
Variant type: single nucleotide variant.
Coding change: c.2296G>T on transcript NM_005909.5 (MANE Select); coding-DNA position 2296, G replaced by T.
Protein change: p.Val766Phe; replaces valine 766 with phenylalanine.
Molecular consequence: missense variant.
Genome position (GRCh38, 1-based): chr5:72,195,651, G>T. VCF-style: chr5-72195651-G-T. GRCh37 (hg19) VCF-style: chr5-71491478-G-T.
Other names: c.1918G>T, p.Val640Phe (NM_001324255.2); short protein forms V640F, V766F.
Identifiers: ClinVar variation 4986811 (VCV004986811.1).